The following is an entry in ClinVar:

ClinVar aggregate classification (germline): Likely pathogenic. Review status: reviewed by expert panel (3 of 4 stars). 5 submissions from 5 submitters: Likely pathogenic (1). 4 of the submissions do not count toward it. Last evaluated 2024-09-17.

Conditions:
RASopathy. Also called: rasopathies; Noonan spectrum disorder. Identifiers: Orphanet 536391, MedGen C5555857, MONDO:0021060.
Noonan syndrome 11. Identifiers: MedGen C5193130, MONDO:0032786, OMIM 618499.

Submissions (5):

ClinGen RASopathy Variant Curation Expert Panel
Classification: Likely pathogenic for RASopathy. Last evaluated: 2024-09-17. Review status: reviewed by expert panel. Criteria: ClinGen RASopathy ACMG Specifications MRAS V1.1.0. Collection method: curation. Allele origin: germline. Inheritance: Autosomal dominant inheritance.
Comment: The NM_001085049.3: c.203C>T variant in MRAS is a missense variant predicted to cause substitution of threonine by isoleucine at amino acid 68 (p.Thr68Ile). This variant has been identified as a de novo occurrence with confirmed parental relationships in 2 individuals with Noonan syndrome and 1 with congenital heart disease (PS2_VeryStrong; PMID: 28289718, 31108500, 32368696). The same amino acid change (p.Thr58Ile), resulting from a different nucleotide change c.173C>T in HRAS and KRAS ClinVar ID: 12610 and 12588, is classified as pathogenic for Costello syndrome and Noonan syndrome respectively by the ClinGen RASopathy VCEP (PS1). ERK and AKT activation assays in HEK 293 T cells showed constitutively active forms of MRAS indicating that this variant impacts protein function (PMID:31108500) (PS3). This variant has been reported in 5 probands, 3 with NS and two with congenital heart disease and conotruncal heart defects with extracardiac anomalies with neurodevelopmental disorder (PS4; PMID:28289718, 28991257, 31108500, 32368696, 33318624). This variant resides within the Switch II domain (amino acids 67 – 74), of MRAS that is defined as a critical functional domain by the ClinGen RASopathy VCEP (PM1). The computational predictor REVEL gives a score of 0.961, which is above the threshold of 0.7, evidence that correlates with impact to MRAS function (PP3). This variant is absent from gnomAD v4 (PM2_Supporting). In summary, this variant meets the criteria to be classified as pathogenic for autosomal dominant Noonan syndrome based on the ACMG/AMP criteria applied, as specified by the ClinGen RASopathy VCEP: PS2_VS, PS1, PS3, PS4, PM1, PP3, PM2_P. (RASopathy VCEP Specifications V1.1; 9/17/2024).

Women's Health and Genetics/Laboratory Corporation of America, LabCorp
Classification: Pathogenic for RASopathy. Last evaluated: 2024-08-20. Review status: criteria provided, single submitter. Criteria: LabCorp Variant Classification Summary - May 2015. Collection method: clinical testing. Allele origin: germline. Not counted in ClinVar's aggregate classification.
Comment: Variant summary: MRAS c.203C>T (p.Thr68Ile) results in a non-conservative amino acid change located in the Small GTP-binding domain (IPR005225) of the encoded protein sequence. Five of five in-silico tools predict a damaging effect of the variant on protein function. The variant was absent in 250774 control chromosomes. c.203C>T has been reported in the literature in individuals affected with Noonan Syndrome (example: Higgins_2017, Motta_2020, Priolo_2023). In at least one individual the variant was reported as to be de novo. The following publications have been ascertained in the context of this evaluation (PMID: 28289718, 31108500, 36734411). ClinVar contains an entry for this variant (Variation ID: 635782). Based on the evidence outlined above, the variant was classified as pathogenic.

Labcorp Genetics (formerly Invitae), Labcorp
Classification: Pathogenic. Last evaluated: 2022-12-07. Review status: criteria provided, single submitter. Criteria: Invitae Variant Classification Sherloc (09022015). Collection method: clinical testing. Allele origin: germline. Not counted in ClinVar's aggregate classification.
Comment: For these reasons, this variant has been classified as Pathogenic. Experimental studies have shown that this missense change affects MRAS function (PMID: 31108500). Algorithms developed to predict the effect of missense changes on protein structure and function are either unavailable or do not agree on the potential impact of this missense change (SIFT: "Deleterious"; PolyPhen-2: "Probably Damaging"; Align-GVGD: "Class C0"). ClinVar contains an entry for this variant (Variation ID: 635782). This missense change has been observed in individual(s) with Noonan syndrome (PMID: 28289718, 31108500). In at least one individual the variant was observed to be de novo. This variant is not present in population databases (gnomAD no frequency). This sequence change replaces threonine, which is neutral and polar, with isoleucine, which is neutral and non-polar, at codon 68 of the MRAS protein (p.Thr68Ile).

CeGaT Center for Human Genetics Tuebingen
Classification: Likely pathogenic. Last evaluated: 2019-06-01. Review status: criteria provided, single submitter. Criteria: CeGaT Center For Human Genetics Tuebingen Variant Classification Criteria Version 2. Collection method: clinical testing. Allele origin: germline. Affected: yes. Observed: 1 variant allele. Not counted in ClinVar's aggregate classification.

OMIM
Classification: Pathogenic for NOONAN SYNDROME 11. Last evaluated: 2019-07-11. Review status: no assertion criteria provided. Collection method: literature only. Allele origin: germline. Not counted in ClinVar's aggregate classification.

Literature cited by the submitters: PubMed 28289718 (cited by 3 submitters); PubMed 31108500 (cited by Women's Health and Genetics/Laboratory Corporation of America, LabCorp and Labcorp Genetics (formerly Invitae), Labcorp); PubMed 36734411 (cited by Women's Health and Genetics/Laboratory Corporation of America, LabCorp).

NM_001085049.3(MRAS):c.203C>T (p.Thr68Ile)

Gene: MRAS (muscle RAS oncogene homolog; plus strand). Cytogenetic location: 3q22.3.
Variant type: single nucleotide variant.
Coding change: c.203C>T on transcript NM_001085049.3 (MANE Select); coding-DNA position 203, C replaced by T.
Protein change: p.Thr68Ile; replaces threonine 68 with isoleucine.
Molecular consequence: missense variant. On other transcripts: 5 prime UTR variant (3).
Genome position (GRCh38, 1-based): chr3:138,397,333, C>T. VCF-style: chr3-138397333-C-T. GRCh37 (hg19) VCF-style: chr3-138116175-C-T.
Other names: NM_001085049.3(MRAS):c.203C>T; p.Thr68Ile; c.203C>T, p.Thr68Ile (NM_001252090.2, NM_012219.4); c.-26C>T (NM_001252091.1, NM_001252092.2, NM_001252093.2); short protein forms T68I.
Identifiers: ClinVar variation 635782 (VCV000635782.39), dbSNP rs1576387876, ClinGen allele CA354672403.